The following is an entry in ClinVar:

ClinVar aggregate classification (germline): Uncertain significance (1 of 4 stars; one submission).

Conditions:
Cardiovascular phenotype. Identifiers: MedGen CN230736.

Submission:

Ambry Genetics
Classification: Uncertain significance for Cardiovascular phenotype. Last evaluated: 2025-09-12. Review status: criteria provided, single submitter. Criteria: Ambry Variant Classification Scheme 2023. Collection method: clinical testing. Allele origin: germline.
Comment: The p.E763G variant (also known as c.2288A>G), located in coding exon 8 of the AKAP9 gene, results from an A to G substitution at nucleotide position 2288. The glutamic acid at codon 763 is replaced by glycine, an amino acid with similar properties. This amino acid position is conserved. In addition, this alteration is predicted to be tolerated by in silico analysis. Based on the available evidence, the clinical significance of this variant remains unclear.

NM_005751.5(AKAP9):c.2288A>G (p.Glu763Gly)

Gene: AKAP9 (A-kinase anchoring protein 9; plus strand). Cytogenetic location: 7q21.2.
Variant type: single nucleotide variant.
Coding change: c.2288A>G on transcript NM_005751.5 (MANE Select); coding-DNA position 2288, A replaced by G.
Protein change: p.Glu763Gly; replaces glutamic acid 763 with glycine.
Molecular consequence: missense variant.
Genome position (GRCh38, 1-based): chr7:92,002,205, A>G. VCF-style: chr7-92002205-A-G. GRCh37 (hg19) VCF-style: chr7-91631519-A-G.
Other names: c.2288A>G, p.Glu763Gly (NM_147185.3); short protein forms E763G.
Identifiers: ClinVar variation 4265445 (VCV004265445.1).